The following is an entry in ClinVar:

ClinVar aggregate classification (germline): Uncertain significance (1 of 4 stars; one submission).

Allele frequency attached by ClinVar (database versions not stated): gnomAD 0.00001; gnomAD exomes 0.00001 and 0.00002; TOPMed 0.00001; ExAC 0.00003.
gnomAD v4.1: 9 of 1,614,012 alleles (0.00056%); highest among the groups gnomAD compares: East Asian, 0.02%; no homozygotes.

Submission:

Labcorp Genetics (formerly Invitae), Labcorp
Classification: Uncertain significance. Last evaluated: 2021-05-03. Review status: criteria provided, single submitter. Criteria: Invitae Variant Classification Sherloc (09022015). Collection method: clinical testing. Allele origin: germline.
Comment: In summary, the available evidence is currently insufficient to determine the role of this variant in disease. Therefore, it has been classified as a Variant of Uncertain Significance. Algorithms developed to predict the effect of missense changes on protein structure and function are either unavailable or do not agree on the potential impact of this missense change (SIFT: "Tolerated"; PolyPhen-2: "Possibly Damaging"; Align-GVGD: "Class C0"). This variant has not been reported in the literature in individuals with EFL1-related conditions. The frequency data for this variant in the population databases is considered unreliable, as metrics indicate poor data quality at this position in the ExAC database. This sequence change replaces valine with methionine at codon 515 of the EFL1 protein (p.Val515Met). The valine residue is weakly conserved and there is a small physicochemical difference between valine and methionine.

NM_024580.6(EFL1):c.1543G>A (p.Val515Met)

Gene: EFL1 (elongation factor like GTPase 1; minus strand). Cytogenetic location: 15q25.2.
Variant type: single nucleotide variant.
Coding change: c.1543G>A on transcript NM_024580.6 (MANE Select); coding-DNA position 1543, G replaced by A.
Protein change: p.Val515Met; replaces valine 515 with methionine.
Molecular consequence: missense variant. On other transcripts: non-coding transcript variant (1).
Genome position (GRCh38, 1-based): chr15:82,219,720, C>T on the plus strand (G>A on the coding strand, the complement: EFL1 is on the minus strand). VCF-style: chr15-82219720-C-T. GRCh37 (hg19) VCF-style: chr15-82512061-C-T.
Other names: c.1390G>A, p.Val464Met (NM_001040610.3); c.754G>A, p.Val252Met (NM_001322844.2); c.1543G>A, p.Val515Met (NM_001322845.2); short protein forms V515M, V252M, V464M.
Identifiers: ClinVar variation 1469078 (VCV001469078.6), dbSNP rs747428372, ClinGen allele CA7697950.